The following is an entry in ClinVar:

ClinVar aggregate classification (germline): Uncertain significance. Review status: criteria provided, multiple submitters, no conflicts (2 of 4 stars). 2 submissions from 2 submitters: Uncertain significance (2). Last evaluated 2024-08-15.

Conditions:
Hereditary cancer-predisposing syndrome. Also called: Neoplastic Syndromes, Hereditary; Tumor predisposition; Hereditary neoplastic syndrome; Hereditary Cancer Syndrome. Identifiers: Orphanet 140162, MedGen C0027672, MeSH D009386, MONDO:0015356.
Cardiovascular phenotype. Identifiers: MedGen CN230736.

Allele frequency attached by ClinVar (database versions not stated): TOPMed below 0.00001.
gnomAD v4.1: 3 of 1,572,516 alleles (0.00019%); highest among the groups gnomAD compares: Non-Finnish European, 0.00026%; no homozygotes.

Submissions (2):

Labcorp Genetics (formerly Invitae), Labcorp
Classification: Uncertain significance. Last evaluated: 2024-08-15. Review status: criteria provided, single submitter. Criteria: Invitae Variant Classification Sherloc (09022015). Collection method: clinical testing. Allele origin: germline.
Comment: This sequence change replaces leucine, which is neutral and non-polar, with valine, which is neutral and non-polar, at codon 16 of the LZTR1 protein (p.Leu16Val). This variant is present in population databases (no rsID available, gnomAD 0.001%). This variant has not been reported in the literature in individuals affected with LZTR1-related conditions. Invitae Evidence Modeling of protein sequence and biophysical properties (such as structural, functional, and spatial information, amino acid conservation, physicochemical variation, residue mobility, and thermodynamic stability) indicates that this missense variant is not expected to disrupt LZTR1 protein function with a negative predictive value of 95%. In summary, the available evidence is currently insufficient to determine the role of this variant in disease. Therefore, it has been classified as a Variant of Uncertain Significance.

Ambry Genetics
Classification: Uncertain significance for Cardiovascular phenotype; Hereditary cancer-predisposing syndrome. Last evaluated: 2023-03-26. Review status: criteria provided, single submitter. Criteria: Ambry Variant Classification Scheme 2023. Collection method: clinical testing. Allele origin: germline.
Comment: The p.L16V variant (also known as c.46C>G), located in coding exon 1 of the LZTR1 gene, results from a C to G substitution at nucleotide position 46. The leucine at codon 16 is replaced by valine, an amino acid with highly similar properties. This amino acid position is conserved. In addition, this alteration is predicted to be tolerated by in silico analysis. Since supporting evidence is limited at this time, the clinical significance of this alteration remains unclear.

NM_006767.4(LZTR1):c.46C>G (p.Leu16Val)

Genes: LZTR1 (leucine zipper like post translational regulator 1; plus strand), LOC130067016 (ATAC-STARR-seq lymphoblastoid silent region 13504; plus strand). Cytogenetic location: 22q11.21.
Variant type: single nucleotide variant.
Coding change: c.46C>G on transcript NM_006767.4 (MANE Select); coding-DNA position 46, C replaced by G.
Protein change: p.Leu16Val; replaces leucine 16 with valine.
Molecular consequence: missense variant.
Genome position (GRCh38, 1-based): chr22:20,982,417, C>G. VCF-style: chr22-20982417-C-G. GRCh37 (hg19) VCF-style: chr22-21336706-C-G.
Other names: short protein forms L16V.
Identifiers: ClinVar variation 3238296 (VCV003238296.3), dbSNP rs1373464938.
Genomic context (GRCh38, chr22:20,982,417, plus strand): 5'-CGGCGTGGACCCGGGATGGCTGGACCGGGCAGCACGGGGGGGCAGATCGGGGCTGCGGCC[C>G]TGGCAGGCGGCGCGCGGTCCAAGGTAGCCCCGAGCGTGGACTTCGACCATAGCTGCTCGG-3'
Protein context (NP_006758.2, residues 6-26): STGGQIGAAA[Leu16Val]AGGARSKVAP